The following is an entry in ClinVar:

NM_000271.5(NPC1):c.1947+10G>T

Gene: NPC1 (NPC intracellular cholesterol transporter 1; minus strand). Cytogenetic location: 18q11.2.
Variant type: single nucleotide variant.
Coding change: c.1947+10G>T on transcript NM_000271.5 (MANE Select); 10 bases into the intron after coding-DNA position 1947, G replaced by T.
Molecular consequence: intron variant.
Genome position (GRCh38, 1-based): chr18:23,544,950, C>A on the plus strand (G>T on the coding strand, the complement: NPC1 is on the minus strand). VCF-style: chr18-23544950-C-A. GRCh37 (hg19) VCF-style: chr18-21124914-C-A.
Identifiers: ClinVar variation 495787 (VCV000495787.14), dbSNP rs71534236, ClinGen allele CA8913322.

ClinVar aggregate classification (germline): Conflicting classifications of pathogenicity. Review status: criteria provided, conflicting classifications (1 of 4 stars). 6 submissions from 6 submitters: Uncertain significance (2); Likely benign (4). Last evaluated 2026-01-31.

Conditions:
NPC1-related disorder. Also called: NPC1-related condition.
Niemann-Pick disease, type C1. Also called: NEUROVISCERAL STORAGE DISEASE WITH VERTICAL SUPRANUCLEAR OPHTHALMOPLEGIA; NIEMANN-PICK DISEASE WITH CHOLESTEROL ESTERIFICATION BLOCK; NIEMANN-PICK DISEASE WITHOUT SPHINGOMYELINASE DEFICIENCY; NIEMANN-PICK DISEASE, CHRONIC NEURONOPATHIC FORM; NIEMANN-PICK DISEASE, VARIANT TYPE C1. Identifiers: Orphanet 646, MedGen C3179455, MONDO:0009757, OMIM 257220.

gnomAD v4.1: 136 of 1,415,988 alleles (0.0096%); highest among the groups gnomAD compares: Middle Eastern, 0.07%; 3 homozygotes.

Submissions (7):

Labcorp Genetics (formerly Invitae), Labcorp
Classification: Likely benign for Niemann-Pick disease, type C1. Last evaluated: 2026-01-31. Review status: criteria provided, single submitter. Criteria: Invitae Variant Classification Sherloc (09022015). Collection method: clinical testing. Allele origin: germline.

PreventionGenetics, part of Exact Sciences
Classification: Likely benign for NPC1-related condition. Last evaluated: 2025-02-08. Review status: criteria provided, single submitter. Criteria: ACMG Guidelines, 2015. Collection method: clinical testing. Allele origin: germline.
Comment: This variant is classified as likely benign based on ACMG/AMP sequence variant interpretation guidelines (Richards et al. 2015 PMID: 25741868, with internal and published modifications).

Women's Health and Genetics/Laboratory Corporation of America, LabCorp
Classification: Likely benign. Last evaluated: 2024-12-12. Review status: criteria provided, single submitter. Criteria: LabCorp Variant Classification Summary - May 2015. Collection method: clinical testing. Allele origin: germline.

Blueprint Genetics
Classification: Likely benign. Last evaluated: 2024-09-24. Review status: criteria provided, single submitter. Criteria: ACMG Guidelines, 2015. Collection method: clinical testing. Allele origin: germline.

Fulgent Genetics
Classification: Uncertain significance for Niemann-Pick disease, type C1. Last evaluated: 2018-10-31. Review status: criteria provided, single submitter. Criteria: ACMG Guidelines, 2015. Collection method: clinical testing. Allele origin: unknown.

Eurofins Ntd Llc (ga)
Classification: Uncertain significance. Last evaluated: 2018-05-21. Review status: criteria provided, single submitter. Criteria: EGL ClinVar v180209 classification definitions. Collection method: clinical testing. Allele origin: germline. Observed: 1 variant allele, 1 heterozygote.

Dr. Peter K. Rogan Lab, Western University
No classification provided (evidence only). Condition: Uterine corpus endometrial carcinoma. Review status: no classification provided. Collection method: in vitro. Allele origin: not applicable. Functional consequence: retained intron. Not counted in ClinVar's aggregate classification.